The following is an entry in ClinVar:

ClinVar aggregate classification (germline): Uncertain significance (1 of 4 stars; one submission).

Conditions:
Hereditary cancer-predisposing syndrome. Also called: Hereditary Cancer Syndrome; Tumor predisposition; Hereditary neoplastic syndrome; Neoplastic Syndromes, Hereditary. Identifiers: Orphanet 140162, MedGen C0027672, MeSH D009386, MONDO:0015356.

Submission:

Ambry Genetics
Classification: Uncertain significance for Hereditary cancer-predisposing syndrome. Last evaluated: 2024-05-31. Review status: criteria provided, single submitter. Criteria: Ambry Variant Classification Scheme 2023. Collection method: clinical testing. Allele origin: germline.
Comment: The p.E516A variant (also known as c.1547A>C), located in coding exon 6 of the BLM gene, results from an A to C substitution at nucleotide position 1547. The glutamic acid at codon 516 is replaced by alanine, an amino acid with dissimilar properties. This amino acid position is conserved. In addition, this alteration is predicted to be tolerated by in silico analysis. Based on the available evidence, the clinical significance of this variant remains unclear.

NM_000057.4(BLM):c.1547A>C (p.Glu516Ala)

Gene: BLM (BLM RecQ like helicase; plus strand). Cytogenetic location: 15q26.1.
Variant type: single nucleotide variant.
Coding change: c.1547A>C on transcript NM_000057.4 (MANE Select); coding-DNA position 1547, A replaced by C.
Protein change: p.Glu516Ala; replaces glutamic acid 516 with alanine.
Molecular consequence: missense variant.
Genome position (GRCh38, 1-based): chr15:90,760,920, A>C. VCF-style: chr15-90760920-A-C. GRCh37 (hg19) VCF-style: chr15-91304150-A-C.
Other names: c.1547A>C, p.Glu516Ala (NM_001287246.2, NM_001287247.2); c.422A>C, p.Glu141Ala (NM_001287248.2); short protein forms E141A, E516A.
Identifiers: ClinVar variation 3260991 (VCV003260991.1).
Genomic context (GRCh38, chr15:90,760,920, plus strand): 5'-TACAGAAGTCCTTTGTAAGTAGCAACTGGGCTGAAACACCAAGACTAGGAAAAAAAAATG[A>C]AAGCTCTTATTTCCCAGGAAATGTTCTCACAAGCACTGCTGTGAAAGATCAGAATAAACA-3'
Protein context (NP_000048.1, residues 506-526): AETPRLGKKN[Glu516Ala]SSYFPGNVLT